The following is an entry in ClinVar:

NM_005159.5(ACTC1):c.179C>T (p.Ala60Val)

Genes: ACTC1 (actin alpha cardiac muscle 1; minus strand), GJD2-DT (GJD2 divergent transcript; plus strand). Cytogenetic location: 15q14.
Variant type: single nucleotide variant.
Coding change: c.179C>T on transcript NM_005159.5 (MANE Select); coding-DNA position 179, C replaced by T.
Protein change: p.Ala60Val; replaces alanine 60 with valine.
Molecular consequence: missense variant. On other transcripts: 5 prime UTR variant (1).
Genome position (GRCh38, 1-based): chr15:34,793,520, G>A on the plus strand (C>T on the coding strand, the complement: ACTC1 is on the minus strand). VCF-style: chr15-34793520-G-A. GRCh37 (hg19) VCF-style: chr15-35085721-G-A.
Other names: c.179C>T, p.Ala60Val (NM_001406482.1, NM_001406483.1); c.44C>T, p.Ala15Val (NM_001406484.1); c.-210C>T (NM_001406485.1); short protein forms A15V, A60V.
Identifiers: ClinVar variation 4072650 (VCV004072650.1).

ClinVar aggregate classification (germline): Uncertain significance (1 of 4 stars; one submission).

Submission:

GeneDx
Classification: Uncertain significance. Last evaluated: 2025-01-29. Review status: criteria provided, single submitter. Criteria: GeneDx Variant Classification Process June 2021. Collection method: clinical testing. Allele origin: germline. Affected: yes.
Comment: Not observed at significant frequency in large population cohorts (gnomAD); In silico analysis indicates that this missense variant does not alter protein structure/function; Has not been previously published as pathogenic or benign to our knowledge